The following is an entry in ClinVar:

NM_002350.4(LYN):c.527A>C (p.His176Pro)

Gene: LYN (LYN proto-oncogene, Src family tyrosine kinase; plus strand). Cytogenetic location: 8q12.1.
Variant type: single nucleotide variant.
Coding change: c.527A>C on transcript NM_002350.4 (MANE Select); coding-DNA position 527, A replaced by C.
Protein change: p.His176Pro; replaces histidine 176 with proline.
Molecular consequence: missense variant.
Genome position (GRCh38, 1-based): chr8:55,952,005, A>C. VCF-style: chr8-55952005-A-C. GRCh37 (hg19) VCF-style: chr8-56864564-A-C.
Other names: c.464A>C, p.His155Pro (NM_001111097.3); short protein forms H155P, H176P.
Identifiers: ClinVar variation 3614175 (VCV003614175.2).

ClinVar aggregate classification (germline): Uncertain significance (1 of 4 stars; one submission).

gnomAD v4.1: 5 of 1,612,318 alleles (0.00031%); highest among the groups gnomAD compares: Non-Finnish European, 0.00042%; no homozygotes.

Submission:

Labcorp Genetics (formerly Invitae), Labcorp
Classification: Uncertain significance. Last evaluated: 2024-04-25. Review status: criteria provided, single submitter. Criteria: Invitae Variant Classification Sherloc (09022015). Collection method: clinical testing. Allele origin: germline.
Comment: This sequence change replaces histidine, which is basic and polar, with proline, which is neutral and non-polar, at codon 176 of the LYN protein (p.His176Pro). This variant is present in population databases (rs745525931, gnomAD 0.003%). This variant has not been reported in the literature in individuals affected with LYN-related conditions. An algorithm developed to predict the effect of missense changes on protein structure and function (PolyPhen-2) suggests that this variant is likely to be tolerated. In summary, the available evidence is currently insufficient to determine the role of this variant in disease. Therefore, it has been classified as a Variant of Uncertain Significance.